The following is an entry in ClinVar:

NM_001283009.2(RTEL1):c.3472G>A (p.Val1158Met)

Genes: RTEL1 (regulator of telomere elongation helicase 1; plus strand), RTEL1-TNFRSF6B (RTEL1-TNFRSF6B readthrough (NMD candidate); plus strand). Cytogenetic location: 20q13.33.
Variant type: single nucleotide variant.
Coding change: c.3472G>A on transcript NM_001283009.2 (MANE Select); coding-DNA position 3472, G replaced by A.
Protein change: p.Val1158Met; replaces valine 1158 with methionine.
Molecular consequence: missense variant. On other transcripts: non-coding transcript variant (1).
Genome position (GRCh38, 1-based): chr20:63,695,194, G>A. VCF-style: chr20-63695194-G-A. GRCh37 (hg19) VCF-style: chr20-62326547-G-A.
Other names: c.2803G>A, p.Val935Met (NM_001283010.1); c.3472G>A, p.Val1158Met (NM_016434.4); c.3544G>A, p.Val1182Met (NM_032957.5); short protein forms V1158M, V1182M, V935M.
Identifiers: ClinVar variation 1949497 (VCV001949497.3), dbSNP rs1424425949, ClinGen allele CA409685491.

ClinVar aggregate classification (germline): Uncertain significance. Review status: criteria provided, multiple submitters, no conflicts (2 of 4 stars). 2 submissions from 2 submitters: Uncertain significance (2). Last evaluated 2024-11-21.

Conditions:
Inborn genetic diseases. Identifiers: MedGen C0950123, MeSH D030342.
Pulmonary fibrosis and/or bone marrow failure, Telomere-related, 3. Also called: PULMONARY FIBROSIS AND/OR BONE MARROW FAILURE SYNDROME, TELOMERE-RELATED, 3. Identifiers: Orphanet 2032, MedGen C4225346, MONDO:0014613, OMIM 616373.
Dyskeratosis congenita, autosomal recessive 5 (DKCB5). Identifiers: MedGen C3554656, MONDO:0014076, OMIM 615190.

Allele frequency attached by ClinVar (database versions not stated): gnomAD exomes below 0.00001.
gnomAD v4.1: 1 of 1,612,182 alleles (0.000062%); highest among the groups gnomAD compares: South Asian, 0.0011%; no homozygotes.

Submissions (2):

Ambry Genetics
Classification: Uncertain significance for Inborn genetic diseases. Last evaluated: 2024-11-21. Review status: criteria provided, single submitter. Criteria: Ambry Variant Classification Scheme 2023. Collection method: clinical testing. Allele origin: germline.
Comment: The p.V1158M variant (also known as c.3472G>A), located in coding exon 32 of the RTEL1 gene, results from a G to A substitution at nucleotide position 3472. The valine at codon 1158 is replaced by methionine, an amino acid with highly similar properties. This amino acid position is conserved. In addition, this alteration is predicted to be tolerated by in silico analysis. Based on the available evidence, the clinical significance of this variant remains unclear.

Labcorp Genetics (formerly Invitae), Labcorp
Classification: Uncertain significance for Dyskeratosis congenita, autosomal recessive 5; Pulmonary fibrosis and/or bone marrow failure, Telomere-related, 3. Last evaluated: 2022-10-04. Review status: criteria provided, single submitter. Criteria: Invitae Variant Classification Sherloc (09022015). Collection method: clinical testing. Allele origin: germline.
Comment: This sequence change replaces valine, which is neutral and non-polar, with methionine, which is neutral and non-polar, at codon 1158 of the RTEL1 protein (p.Val1158Met). This variant is present in population databases (no rsID available, gnomAD 0.003%). This variant has not been reported in the literature in individuals affected with RTEL1-related conditions. Algorithms developed to predict the effect of missense changes on protein structure and function (SIFT, PolyPhen-2, Align-GVGD) all suggest that this variant is likely to be tolerated. In summary, the available evidence is currently insufficient to determine the role of this variant in disease. Therefore, it has been classified as a Variant of Uncertain Significance.